The following is an entry in ClinVar:

ClinVar aggregate classification (germline): Pathogenic (1 of 4 stars; one submission).

Submission:

GeneDx
Classification: Pathogenic. Last evaluated: 2026-04-08. Review status: criteria provided, single submitter. Criteria: GeneDx Variant Classification Process June 2021. Collection method: clinical testing. Allele origin: germline.
Comment: Nonsense variant predicted to result in protein truncation or nonsense mediated decay in a gene for which loss of function is a known mechanism of disease; Not observed at significant frequency in large population cohorts (gnomAD); This variant is associated with the following publications: (PMID: 27432187)

NM_000975.5(RPL11):c.164dup (p.Tyr55Ter)

Gene: RPL11 (ribosomal protein L11; plus strand). Cytogenetic location: 1p36.11.
Variant type: Duplication.
Coding change: c.164dup on transcript NM_000975.5 (MANE Select); coding-DNA position 164, one base duplicated (A; older notation c.164dupA).
Protein change: p.Tyr55Ter; replaces tyrosine 55 with a stop codon.
Molecular consequence: nonsense.
Genome position (GRCh38, 1-based): chr1:23,693,813, A duplicated. VCF-style (leftmost placement, unchanged base first): chr1-23693812-T-TA. GRCh37 (hg19) VCF-style: chr1-24020302-T-TA.
Other names: c.161dup, p.Tyr54Ter (NM_001199802.1); short protein forms Y54*, Y55*.
Identifiers: ClinVar variation 5018450 (VCV005018450.1).